The following is an entry in ClinVar:

ClinVar aggregate classification (germline): Conflicting classifications of pathogenicity. Review status: criteria provided, conflicting classifications (1 of 4 stars). 4 submissions from 4 submitters: Uncertain significance (2); Likely benign (2). Last evaluated 2026-08-19.

Conditions:
PCNT-related disorder. Also called: PCNT-related condition.

Allele frequency attached by ClinVar (database versions not stated): ESP Exome Variant Server 0.00008; gnomAD 0.00011 and 0.00015; TOPMed 0.00012; ExAC 0.00025; 1000 Genomes Project 30x 0.00047; 1000 Genomes Project 0.00060.
gnomAD v4.1: 336 of 1,614,080 alleles (0.021%); highest among the groups gnomAD compares: Middle Eastern, 0.31%; 1 homozygote.

Submissions (4):

PreventionGenetics, part of Exact Sciences
Classification: Uncertain significance for PCNT-related condition. Last evaluated: 2026-08-19. Review status: criteria provided, single submitter. Criteria: ACMG Guidelines, 2015. Collection method: clinical testing. Allele origin: germline.
Comment: The PCNT c.9332G>A variant is predicted to result in the amino acid substitution p.Arg3111His. To our knowledge, this variant has not been reported in the literature. This variant is reported in 0.033% of alleles in individuals of European (non-Finnish) descent in gnomAD. At this time, the clinical significance of this variant is uncertain due to the absence of conclusive functional and genetic evidence.

Labcorp Genetics (formerly Invitae), Labcorp
Classification: Uncertain significance. Last evaluated: 2024-11-18. Review status: criteria provided, single submitter. Criteria: Invitae Variant Classification Sherloc (09022015). Collection method: clinical testing. Allele origin: germline.
Comment: This sequence change replaces arginine, which is basic and polar, with histidine, which is basic and polar, at codon 3111 of the PCNT protein (p.Arg3111His). This variant is present in population databases (rs140416280, gnomAD 0.03%). This variant has not been reported in the literature in individuals affected with PCNT-related conditions. ClinVar contains an entry for this variant (Variation ID: 211890). An algorithm developed to predict the effect of missense changes on protein structure and function outputs the following: PolyPhen-2: "Benign". The histidine amino acid residue is found in multiple mammalian species, which suggests that this missense change does not adversely affect protein function. In summary, the available evidence is currently insufficient to determine the role of this variant in disease. Therefore, it has been classified as a Variant of Uncertain Significance.

Blueprint Genetics
Classification: Likely benign. Last evaluated: 2024-11-13. Review status: criteria provided, single submitter. Criteria: ACMG Guidelines, 2015. Collection method: clinical testing. Allele origin: germline.

Genetic Services Laboratory, University of Chicago
Classification: Likely benign. Last evaluated: 2016-02-26. Review status: criteria provided, single submitter. Criteria: ACMG Guidelines, 2015. Collection method: clinical testing. Allele origin: germline. Affected: no.

NM_006031.6(PCNT):c.9332G>A (p.Arg3111His)

Gene: PCNT (pericentrin; plus strand). Cytogenetic location: 21q22.3.
Variant type: single nucleotide variant.
Coding change: c.9332G>A on transcript NM_006031.6 (MANE Select); coding-DNA position 9332, G replaced by A.
Protein change: p.Arg3111His; replaces arginine 3111 with histidine.
Molecular consequence: missense variant.
Genome position (GRCh38, 1-based): chr21:46,440,141, G>A. VCF-style: chr21-46440141-G-A. GRCh37 (hg19) VCF-style: chr21-47860054-G-A.
Other names: c.8741G>A, p.Arg2914His (NM_001315529.2); short protein forms R3111H, R2914H.
Identifiers: ClinVar variation 211890 (VCV000211890.15), dbSNP rs140416280, ClinGen allele CA207742.